The following is an entry in ClinVar:

NM_001009944.3(PKD1):c.2232C>T (p.Ser744=)

Gene: PKD1 (polycystin 1, transient receptor potential channel interacting; minus strand). Cytogenetic location: 16p13.3.
Variant type: single nucleotide variant.
Coding change: c.2232C>T on transcript NM_001009944.3 (MANE Select); coding-DNA position 2232, C replaced by T.
Protein change: p.Ser744=; no amino-acid change (serine 744 retained).
Molecular consequence: synonymous variant.
Genome position (GRCh38, 1-based): chr16:2,114,791, G>A on the plus strand (C>T on the coding strand, the complement: PKD1 is on the minus strand). VCF-style: chr16-2114791-G-A. GRCh37 (hg19) VCF-style: chr16-2164792-G-A.
Other names: c.2232C>T, p.Ser744= (NM_000296.4).
Identifiers: ClinVar variation 3054483 (VCV003054483.4), dbSNP rs553802995, ClinGen allele CA7833253.

ClinVar aggregate classification (germline): Likely benign. Review status: criteria provided, multiple submitters, no conflicts (2 of 4 stars). 3 submissions from 3 submitters: Likely benign (2). 1 of the submissions does not count toward it. Last evaluated 2024-10-04.

Conditions:
PKD1-related disorder. Also called: PKD1-related condition.
Polycystic kidney disease, adult type (PKD1). Also called: POLYCYSTIC KIDNEY DISEASE, ADULT, TYPE I; Polycystic Kidney Disease 1, Autosomal Dominant; Polycystic kidney disease 1; Polycystic kidney disease 1, severe; Polycystic Kidney, Autosomal Dominant; POLYCYSTIC KIDNEY DISEASE 1 WITH OR WITHOUT POLYCYSTIC LIVER DISEASE. Identifiers: MedGen C3149841, MONDO:0008263, OMIM 173900.

Allele frequency attached by ClinVar (database versions not stated): TOPMed 0.00005; gnomAD exomes 0.00007; gnomAD 0.00011; ExAC 0.00020; 1000 Genomes Project 30x 0.00031; 1000 Genomes Project 0.00040.
gnomAD v4.1: 84 of 1,130,778 alleles (0.0074%); highest among the groups gnomAD compares: East Asian, 0.098%; no homozygotes.

Submissions (3):

Blueprint Genetics
Classification: Likely benign. Last evaluated: 2024-10-04. Review status: criteria provided, single submitter. Criteria: ACMG Guidelines, 2015. Collection method: clinical testing. Allele origin: germline.

Department of Pathology and Laboratory Medicine, Sinai Health System
Classification: Likely benign for Polycystic kidney disease, adult type. Last evaluated: 2019-11-04. Review status: criteria provided, single submitter. Criteria: ACMG Guidelines, 2015. Collection method: clinical testing. Allele origin: germline. Affected: yes.

PreventionGenetics, part of Exact Sciences
Classification: Likely benign for PKD1-related condition. Last evaluated: 2022-06-22. Review status: no assertion criteria provided. Collection method: clinical testing. Allele origin: germline. Not counted in ClinVar's aggregate classification.
Comment: This variant is classified as likely benign based on ACMG/AMP sequence variant interpretation guidelines (Richards et al. 2015 PMID: 25741868, with internal and published modifications).